The following is an entry in ClinVar:

NM_031418.4(ANO3):c.186T>G (p.Ser62Arg)

Gene: ANO3 (anoctamin 3; plus strand). Cytogenetic location: 11p14.2.
Variant type: single nucleotide variant.
Coding change: c.186T>G on transcript NM_031418.4 (MANE Select); coding-DNA position 186, T replaced by G.
Protein change: p.Ser62Arg; replaces serine 62 with arginine.
Molecular consequence: missense variant.
Genome position (GRCh38, 1-based): chr11:26,442,057, T>G. VCF-style: chr11-26442057-T-G. GRCh37 (hg19) VCF-style: chr11-26463604-T-G.
Other names: c.369T>G, p.Ser123Arg (NM_001313726.2); short protein forms S123R, S62R.
Identifiers: ClinVar variation 2729698 (VCV002729698.3), dbSNP rs138534016, ClinGen allele CA5925477.

ClinVar aggregate classification (germline): Uncertain significance (1 of 4 stars; one submission).

Conditions:
Dystonic disorder. Also called: Dystonia. Identifiers: MedGen C0013421, MONDO:0003441, HP:0001332.

Allele frequency attached by ClinVar (database versions not stated): gnomAD exomes below 0.00001; ExAC 0.00001; gnomAD 0.00006; TOPMed 0.00006; ESP Exome Variant Server 0.00008.
gnomAD v4.1: 15 of 1,613,742 alleles (0.00093%); highest among the groups gnomAD compares: African/African-American, 0.019%; no homozygotes.

Submission:

Labcorp Genetics (formerly Invitae), Labcorp
Classification: Uncertain significance for Dystonic disorder. Last evaluated: 2023-06-19. Review status: criteria provided, single submitter. Criteria: Invitae Variant Classification Sherloc (09022015). Collection method: clinical testing. Allele origin: germline.
Comment: This variant is present in population databases (rs138534016, gnomAD 0.01%). This sequence change replaces serine, which is neutral and polar, with arginine, which is basic and polar, at codon 62 of the ANO3 protein (p.Ser62Arg). This variant has not been reported in the literature in individuals affected with ANO3-related conditions. Advanced modeling of protein sequence and biophysical properties (such as structural, functional, and spatial information, amino acid conservation, physicochemical variation, residue mobility, and thermodynamic stability) performed at Invitae indicates that this missense variant is not expected to disrupt ANO3 protein function. In summary, the available evidence is currently insufficient to determine the role of this variant in disease. Therefore, it has been classified as a Variant of Uncertain Significance.